The following is an entry in ClinVar:

NM_001256545.2(MEGF10):c.524G>A (p.Gly175Asp)

Gene: MEGF10 (multiple EGF like domains 10; plus strand). Cytogenetic location: 5q23.2.
Variant type: single nucleotide variant.
Coding change: c.524G>A on transcript NM_001256545.2 (MANE Select); coding-DNA position 524, G replaced by A.
Protein change: p.Gly175Asp; replaces glycine 175 with aspartic acid.
Molecular consequence: missense variant.
Genome position (GRCh38, 1-based): chr5:127,396,643, G>A. VCF-style: chr5-127396643-G-A. GRCh37 (hg19) VCF-style: chr5-126732335-G-A.
Other names: c.524G>A, p.Gly175Asp (NM_001308119.2, NM_001308121.2, NM_032446.3); short protein forms G175D.
Identifiers: ClinVar variation 1358189 (VCV001358189.6), dbSNP rs764487174, ClinGen allele CA3391314.

ClinVar aggregate classification (germline): Uncertain significance (1 of 4 stars; one submission).

Conditions:
MEGF10-related myopathy (CMYO10A). Also called: Congenital myopathy 10A, severe variant. Identifiers: Orphanet 439212, MedGen C3280679, MONDO:0013731, OMIM 614399.

Allele frequency attached by ClinVar (database versions not stated): gnomAD 0.00002; ExAC 0.00003; gnomAD exomes 0.00004; TOPMed 0.00005.
gnomAD v4.1: 23 of 1,613,968 alleles (0.0014%); highest among the groups gnomAD compares: Admixed American, 0.023%; no homozygotes.

Submission:

Labcorp Genetics (formerly Invitae), Labcorp
Classification: Uncertain significance for MEGF10-related myopathy. Last evaluated: 2025-07-07. Review status: criteria provided, single submitter. Criteria: Invitae Variant Classification Sherloc (09022015). Collection method: clinical testing. Allele origin: germline.
Comment: This sequence change replaces glycine, which is neutral and non-polar, with aspartic acid, which is acidic and polar, at codon 175 of the MEGF10 protein (p.Gly175Asp). This variant is present in population databases (rs764487174, gnomAD 0.03%). This variant has not been reported in the literature in individuals affected with MEGF10-related conditions. ClinVar contains an entry for this variant (Variation ID: 1358189). Invitae Evidence Modeling of protein sequence and biophysical properties (such as structural, functional, and spatial information, amino acid conservation, physicochemical variation, residue mobility, and thermodynamic stability) indicates that this missense variant is not expected to disrupt MEGF10 protein function with a negative predictive value of 80%. In summary, the available evidence is currently insufficient to determine the role of this variant in disease. Therefore, it has been classified as a Variant of Uncertain Significance.